The following is an entry in ClinVar:

ClinVar aggregate classification (germline): Pathogenic (1 of 4 stars; one submission).

Submission:

Labcorp Genetics (formerly Invitae), Labcorp
Classification: Pathogenic. Last evaluated: 2021-08-04. Review status: criteria provided, single submitter. Criteria: Invitae Variant Classification Sherloc (09022015). Collection method: clinical testing. Allele origin: germline.
Comment: This sequence change replaces glycine with aspartic acid at codon 1202 of the COL4A5 protein (p.Gly1202Asp). The glycine residue is highly conserved and there is a moderate physicochemical difference between glycine and aspartic acid. This variant is not present in population databases (ExAC no frequency). This variant has been observed in individual(s) with Alport syndrome (Invitae). Algorithms developed to predict the effect of missense changes on protein structure and function are either unavailable or do not agree on the potential impact of this missense change (SIFT: "Deleterious"; PolyPhen-2: "Not Available"; Align-GVGD: "Class C0"). Glycine residues within the Gly-Xaa-Yaa repeats of the triple helix domain are required for the structure and stability of fibrillar collagens (PMID: 7695699, 8218237, 19344236). In COL4A5, missense variants at these glycine residues are significantly enriched in individuals with disease (PMID: 23720012, 27627812) compared to the general population (ExAC). For these reasons, this variant has been classified as Pathogenic.

Literature cited by the submitters: PubMed 7695699; PubMed 8218237; PubMed 19344236; PubMed 23720012; PubMed 27627812.

NM_033380.3(COL4A5):c.3605G>A (p.Gly1202Asp)

Gene: COL4A5 (collagen type IV alpha 5 chain; plus strand). Cytogenetic location: Xq22.3.
Variant type: single nucleotide variant.
Coding change: c.3605G>A on transcript NM_033380.3 (MANE Select); coding-DNA position 3605, G replaced by A.
Protein change: p.Gly1202Asp; replaces glycine 1202 with aspartic acid.
Molecular consequence: missense variant.
Genome position (GRCh38, 1-based): chrX:108,668,319, G>A. VCF-style: chrX-108668319-G-A. GRCh37 (hg19) VCF-style: chrX-107911549-G-A.
Other names: c.3605G>A, p.Gly1202Asp (NM_000495.5); short protein forms G1202D.
Identifiers: ClinVar variation 1438045 (VCV001438045.8), dbSNP rs2068126366, ClinGen allele CA413848319.